The following is an entry in ClinVar:

NM_012431.3(SEMA3E):c.218G>A (p.Gly73Glu)

Gene: SEMA3E (semaphorin 3E; minus strand). Cytogenetic location: 7q21.11.
Variant type: single nucleotide variant.
Coding change: c.218G>A on transcript NM_012431.3 (MANE Select); coding-DNA position 218, G replaced by A.
Protein change: p.Gly73Glu; replaces glycine 73 with glutamic acid.
Molecular consequence: missense variant.
Genome position (GRCh38, 1-based): chr7:83,490,172, C>T on the plus strand (G>A on the coding strand, the complement: SEMA3E is on the minus strand). VCF-style: chr7-83490172-C-T. GRCh37 (hg19) VCF-style: chr7-83119488-C-T.
Other names: c.218G>A (NM_012431.2); c.38G>A, p.Gly13Glu (NM_001178129.2); short protein forms G73E, G13E.
Identifiers: ClinVar variation 871117 (VCV000871117.41), dbSNP rs894551746, ClinGen allele CA161186055.
Genomic context (GRCh38, chr7:83,490,172, plus strand): 5'-ACCTCTTTATAGCCGTCACTGATTCTCTCCAAGCTGAGGGAATATACAAGGTCCCTGCCT[C>T]CCACGAAGAGCCTCTCTTGATATTCATCCAGCAGCATTGTATGGAGATCAAGAAATCCAA-3'
Protein context (NP_036563.1, residues 63-83): LDEYQERLFV[Gly73Glu]GRDLVYSLSL

ClinVar aggregate classification (germline): Uncertain significance. Review status: criteria provided, single submitter (1 of 4 stars). 2 submissions from 2 submitters: Uncertain significance (1). 1 of the submissions does not count toward it. Last evaluated 2019-08-01.

Conditions:
SEMA3E-related disorder. Also called: SEMA3E-related condition.

Allele frequency attached by ClinVar (database versions not stated): gnomAD 0.00001; gnomAD exomes 0.00001 and 0.00002; TOPMed 0.00001.
gnomAD v4.1: 16 of 1,612,952 alleles (0.00099%); highest among the groups gnomAD compares: Non-Finnish European, 0.0011%; no homozygotes.

Submissions (2):

CeGaT Center for Human Genetics Tuebingen
Classification: Uncertain significance. Last evaluated: 2019-08-01. Review status: criteria provided, single submitter. Criteria: CeGaT Center For Human Genetics Tuebingen Variant Classification Criteria Version 2. Collection method: clinical testing. Allele origin: germline. Affected: yes. Observed: 2 variant alleles.

PreventionGenetics, part of Exact Sciences
Classification: Uncertain significance for SEMA3E-related condition. Last evaluated: 2024-06-28. Review status: no assertion criteria provided. Collection method: clinical testing. Allele origin: germline. Not counted in ClinVar's aggregate classification.
Comment: The SEMA3E c.218G>A variant is predicted to result in the amino acid substitution p.Gly73Glu. To our knowledge, this variant has not been reported in the literature. This variant is reported in 0.0046% of alleles in individuals of European (Finnish) descent in gnomAD. At this time, the clinical significance of this variant is uncertain due to the absence of conclusive functional and genetic evidence.